The following is an entry in ClinVar:

NM_000321.3(RB1):c.2101G>A (p.Asp701Asn)

Gene: RB1 (RB transcriptional corepressor 1; plus strand). Cytogenetic location: 13q14.2.
Variant type: single nucleotide variant.
Coding change: c.2101G>A on transcript NM_000321.3 (MANE Select); coding-DNA position 2101, G replaced by A.
Protein change: p.Asp701Asn; replaces aspartic acid 701 with asparagine.
Molecular consequence: missense variant.
Genome position (GRCh38, 1-based): chr13:48,459,828, G>A. VCF-style: chr13-48459828-G-A. GRCh37 (hg19) VCF-style: chr13-49033964-G-A.
Other names: L11910:g.156833G>A; short protein forms D701N.
Identifiers: ClinVar variation 126794 (VCV000126794.1), dbSNP rs587778859, ClinGen allele CA026421.

ClinVar aggregate classification (germline): Pathogenic (0 of 4 stars; one submission).

Conditions:
Retinoblastoma (RB1). Also called: RETINOBLASTOMA, SOMATIC. Identifiers: Orphanet 790, MedGen C0035335, MeSH D012175, MONDO:0008380, OMIM 180200, HP:0009919. Disease mechanism: loss of function. Inheritance: Both sporadic and heritable forms are tested..

Submission:

Genetic Diagnostic Laboratory, University of Pennsylvania School of Medicine
Classification: Pathogenic for Retinoblastoma. Last evaluated: 2013-09-16. Review status: no assertion criteria provided. Collection method: clinical testing. Allele origin: somatic. Affected: yes.
Comment: Damaging according to PolyPhen